The following is an entry in ClinVar:

NM_024426.6(WT1):c.1113+5G>A

Gene: WT1 (WT1 transcription factor; minus strand). Cytogenetic location: 11p13.
Variant type: single nucleotide variant.
Coding change: c.1113+5G>A on transcript NM_024426.6 (MANE Select); 5 bases into the intron after coding-DNA position 1113, G replaced by A.
Molecular consequence: intron variant.
Genome position (GRCh38, 1-based): chr11:32,399,943, C>T on the plus strand (G>A on the coding strand, the complement: WT1 is on the minus strand). VCF-style: chr11-32399943-C-T. GRCh37 (hg19) VCF-style: chr11-32421489-C-T.
Other names: c.939+5G>A (NM_001407050.1); c.990+5G>A (NM_001407047.1); c.1062+5G>A (NM_001407048.1, NM_001407049.1, NM_000378.6 and 1 more transcripts); c.1107+5G>A (NM_001407044.1); c.1113+5G>A (NM_001407046.1, NM_024424.5); c.351+5G>A (NM_001407051.1); c.411+5G>A (NM_001198552.2); c.462+5G>A (NM_001198551.2); and 1 more.
Identifiers: ClinVar variation 543121 (VCV000543121.12), dbSNP rs930795675, ClinGen allele CA219479392.

ClinVar aggregate classification (germline): Uncertain significance. Review status: criteria provided, multiple submitters, no conflicts (2 of 4 stars). 4 submissions from 4 submitters: Uncertain significance (4). Last evaluated 2025-04-01.

Conditions:
Inborn genetic diseases. Identifiers: MedGen C0950123, MeSH D030342.
Wilms tumor 1 (WT1). Also called: Wilms tumor, somatic. Identifiers: Orphanet 654, MedGen CN033288, MONDO:0008679, OMIM 194070.
11p partial monosomy syndrome (WAGR). Also called: CHROMOSOME 11p13 DELETION SYNDROME; WAGR Spectrum Disorder; WAGR syndrome; WAGR Complex. Identifiers: Orphanet 893, MedGen C0206115, MONDO:0008681, OMIM 194072.
Frasier syndrome. Identifiers: Orphanet 347, MedGen C0950122, MeSH D052159, MONDO:0007635, OMIM 136680.
Drash syndrome (DDS). Also called: NEPHROPATHY, WILMS TUMOR, AND GENITAL ANOMALIES; WILMS TUMOR AND PSEUDO- OR TRUE HERMAPHRODITISM. Identifiers: Orphanet 220, MedGen C0950121, MONDO:0008682, OMIM 194080.

Allele frequency attached by ClinVar (database versions not stated): gnomAD exomes below 0.00001; gnomAD 0.00001; TOPMed 0.00001.
gnomAD v4.1: 5 of 1,614,058 alleles (0.00031%); highest among the groups gnomAD compares: Non-Finnish European, 0.00034%; no homozygotes.

Submissions (4):

Ambry Genetics
Classification: Uncertain significance for Inborn genetic diseases. Last evaluated: 2025-04-01. Review status: criteria provided, single submitter. Criteria: Ambry Variant Classification Scheme 2023. Collection method: clinical testing. Allele origin: germline.
Comment: The c.1098+5G>A intronic variant results from a G to A substitution 5 nucleotides after coding exon 6 in the WT1 gene. This nucleotide position is highly conserved in available vertebrate species. In silico splice site analysis predicts that this alteration will not have any significant effect on splicing. Based on the available evidence, the clinical significance of this variant remains unclear.

GeneDx
Classification: Uncertain significance. Last evaluated: 2023-11-21. Review status: criteria provided, single submitter. Criteria: GeneDx Variant Classification Process June 2021. Collection method: clinical testing. Allele origin: germline. Affected: yes.
Comment: Not observed at significant frequency in large population cohorts (gnomAD); In silico analysis supports that this variant does not alter splicing; Has not been previously published as pathogenic or benign to our knowledge

Labcorp Genetics (formerly Invitae), Labcorp
Classification: Uncertain significance for Wilms tumor 1; Drash syndrome; 11p partial monosomy syndrome; Frasier syndrome. Last evaluated: 2023-09-17. Review status: criteria provided, single submitter. Criteria: Invitae Variant Classification Sherloc (09022015). Collection method: clinical testing. Allele origin: germline.
Comment: This sequence change falls in intron 6 of the WT1 gene. It does not directly change the encoded amino acid sequence of the WT1 protein. It affects a nucleotide within the consensus splice site. This variant is not present in population databases (gnomAD no frequency). This variant has not been reported in the literature in individuals affected with WT1-related conditions. ClinVar contains an entry for this variant (Variation ID: 543121). Variants that disrupt the consensus splice site are a relatively common cause of aberrant splicing (PMID: 17576681, 9536098). Algorithms developed to predict the effect of sequence changes on RNA splicing suggest that this variant may disrupt the consensus splice site. In summary, the available evidence is currently insufficient to determine the role of this variant in disease. Therefore, it has been classified as a Variant of Uncertain Significance.

All of Us Research Program, National Institutes of Health
Classification: Uncertain significance for Wilms tumor 1. Last evaluated: 2023-06-08. Review status: criteria provided, single submitter. Criteria: ACMG Guidelines, 2015. Collection method: clinical testing. Allele origin: germline. Inheritance: Autosomal dominant inheritance. Observed: 1 variant allele, 1 heterozygote.
Comment: This variant causes an G to A nucleotide substitution at the +5 position in intron 6 of the WT1 gene. Splice site prediction tools predict that this variant may have a significant impact on RNA splicing. To our knowledge, functional studies have not been reported for this variant. This variant has not been reported in individuals affected with WT1-related disorders in the literature. This variant has not been identified in the general population by the Genome Aggregation Database (gnomAD). The available evidence is insufficient to determine the role of this variant in disease conclusively. Therefore, this variant is classified as a Variant of Uncertain Significance.

This study involves interpretation of variants in research participants for the purpose of population health screening. Participant phenotype was not available at the time of variant classification. Additional details can be found in publication PMID: 35346344, PMCID: PMC8962531

Literature cited by the submitters: PubMed 17576681 (cited by Labcorp Genetics (formerly Invitae), Labcorp); PubMed 9536098 (cited by Labcorp Genetics (formerly Invitae), Labcorp).